The following is an entry in ClinVar:

NM_000038.6(APC):c.5847A>G (p.Glu1949=)

Gene: APC (APC regulator of Wnt signaling pathway; plus strand). Cytogenetic location: 5q22.2.
Variant type: single nucleotide variant.
Coding change: c.5847A>G on transcript NM_000038.6 (MANE Select); coding-DNA position 5847, A replaced by G.
Protein change: p.Glu1949=; no amino-acid change (glutamic acid 1949 retained).
Molecular consequence: synonymous variant.
Genome position (GRCh38, 1-based): chr5:112,841,441, A>G. VCF-style: chr5-112841441-A-G. GRCh37 (hg19) VCF-style: chr5-112177138-A-G.
Other names: c.5847A>G, p.Glu1949= (NM_001127510.3, NM_001354895.2); c.5793A>G, p.Glu1931= (NM_001127511.3); c.5901A>G, p.Glu1967= (NM_001354896.2); c.5877A>G, p.Glu1959= (NM_001354897.2); c.5772A>G, p.Glu1924= (NM_001354898.2); c.5763A>G, p.Glu1921= (NM_001354899.2); c.5724A>G, p.Glu1908= (NM_001354900.2); c.5670A>G, p.Glu1890= (NM_001354901.2); and 5 more.
Identifiers: ClinVar variation 537694 (VCV000537694.34), dbSNP rs1554087029, ClinGen allele CA446209869.
Genomic context (GRCh38, chr5:112,841,441, plus strand): 5'-ACAATCCACTTTTCCCCAGTCATCCAAAGACATACCAGACAGAGGGGCAGCAACTGATGA[A>G]AAGTTACAGAATTTTGCTATTGAAAATACTCCGGTTTGCTTTTCTCATAATTCCTCTCTG-3'
Protein context (NP_000029.2, residues 1939-1959): DIPDRGAATD[Glu1949=]KLQNFAIENT

ClinVar aggregate classification (germline): Benign/Likely benign. Review status: criteria provided, multiple submitters, no conflicts (2 of 4 stars). 6 submissions from 6 submitters: Benign (1); Likely benign (5). Last evaluated 2025-02-05.

Conditions:
Hereditary cancer-predisposing syndrome. Also called: Hereditary Cancer Syndrome; Tumor predisposition; Neoplastic Syndromes, Hereditary; Hereditary neoplastic syndrome. Identifiers: Orphanet 140162, MedGen C0027672, MeSH D009386, MONDO:0015356.
Familial adenomatous polyposis 1 (FAP1). Also called: FAMILIAL ADENOMATOUS POLYPOSIS 1, ATTENUATED; POLYPOSIS, ADENOMATOUS INTESTINAL. Identifiers: MedGen C2713442, MONDO:0021056, OMIM 175100. Disease mechanism: loss of function.

Allele frequency attached by ClinVar (database versions not stated): TOPMed below 0.00001; gnomAD exomes 0.00001.
gnomAD v4.1: 7 of 1,614,038 alleles (0.00043%); highest among the groups gnomAD compares: Non-Finnish European, 0.00059%; no homozygotes.

Submissions (6):

Labcorp Genetics (formerly Invitae), Labcorp
Classification: Likely benign for Familial adenomatous polyposis 1. Last evaluated: 2025-02-05. Review status: criteria provided, single submitter. Criteria: Invitae Variant Classification Sherloc (09022015). Collection method: clinical testing. Allele origin: germline.

CeGaT Center for Human Genetics Tuebingen
Classification: Likely benign. Last evaluated: 2025-02-01. Review status: criteria provided, single submitter. Criteria: CeGaT Center For Human Genetics Tuebingen Variant Classification Criteria Version 2. Collection method: clinical testing. Allele origin: germline. Affected: yes. Observed: 1 variant allele.
Comment: APC: BP4, BP7

Myriad Genetics, Inc.
Classification: Benign for Familial adenomatous polyposis 1. Last evaluated: 2024-04-02. Review status: criteria provided, single submitter. Criteria: Myriad Autosomal Dominant, Autosomal Recessive and X-Linked Classification Criteria (2023). Collection method: clinical testing. Allele origin: unknown.
Comment: This variant is considered benign. This variant is a silent/synonymous amino acid change and it is not expected to impact splicing.

Ambry Genetics
Classification: Likely benign for Hereditary cancer-predisposing syndrome. Last evaluated: 2020-03-18. Review status: criteria provided, single submitter. Criteria: Ambry Variant Classification Scheme 2023. Collection method: clinical testing. Allele origin: germline.

GeneDx
Classification: Likely benign. Last evaluated: 2019-12-18. Review status: criteria provided, single submitter. Criteria: GeneDx Variant Classification Process June 2021. Collection method: clinical testing. Allele origin: germline. Affected: yes.

Color Diagnostics, LLC DBA Color Health
Classification: Likely benign for Hereditary cancer-predisposing syndrome. Last evaluated: 2019-01-07. Review status: criteria provided, single submitter. Criteria: ACMG Guidelines, 2015. Collection method: clinical testing. Allele origin: germline.